The following is an entry in ClinVar:

ClinVar aggregate classification (germline): Uncertain significance. Review status: criteria provided, multiple submitters, no conflicts (2 of 4 stars). 2 submissions from 2 submitters: Uncertain significance (2). Last evaluated 2025-10-15.

Conditions:
Inborn genetic diseases. Identifiers: MedGen C0950123, MeSH D030342.
Epidermodysplasia verruciformis. Identifiers: Orphanet 302, MedGen C0014522, MONDO:0009176.

Allele frequency attached by ClinVar (database versions not stated): gnomAD exomes below 0.00001; gnomAD 0.00001; TOPMed 0.00001.

Submissions (2):

Labcorp Genetics (formerly Invitae), Labcorp
Classification: Uncertain significance for Epidermodysplasia verruciformis. Last evaluated: 2025-10-15. Review status: criteria provided, single submitter. Criteria: Invitae Variant Classification Sherloc (09022015). Collection method: clinical testing. Allele origin: germline.
Comment: This sequence change replaces glutamine, which is neutral and polar, with arginine, which is basic and polar, at codon 39 of the TMC6 protein (p.Gln39Arg). This variant is present in population databases (no rsID available, gnomAD 0.003%). This variant has not been reported in the literature in individuals affected with TMC6-related conditions. ClinVar contains an entry for this variant (Variation ID: 456003). An algorithm developed to predict the effect of missense changes on protein structure and function outputs the following: PolyPhen-2: "Benign". The arginine amino acid residue is found in multiple mammalian species, which suggests that this missense change does not adversely affect protein function. In summary, the available evidence is currently insufficient to determine the role of this variant in disease. Therefore, it has been classified as a Variant of Uncertain Significance.

Ambry Genetics
Classification: Uncertain significance for Inborn genetic diseases. Last evaluated: 2025-08-20. Review status: criteria provided, single submitter. Criteria: Ambry Variant Classification Scheme 2023. Collection method: clinical testing. Allele origin: germline.

NM_001127198.5(TMC6):c.116A>G (p.Gln39Arg)

Gene: TMC6 (transmembrane channel like 6; minus strand). Cytogenetic location: 17q25.3.
Variant type: single nucleotide variant.
Coding change: c.116A>G on transcript NM_001127198.5 (MANE Select); coding-DNA position 116, A replaced by G.
Protein change: p.Gln39Arg; replaces glutamine 39 with arginine.
Molecular consequence: missense variant. On other transcripts: non-coding transcript variant (4).
Genome position (GRCh38, 1-based): chr17:78,126,589, T>C on the plus strand (A>G on the coding strand, the complement: TMC6 is on the minus strand). VCF-style: chr17-78126589-T-C. GRCh37 (hg19) VCF-style: chr17-76122670-T-C.
Other names: c.116A>G (NM_007267.6); c.116A>G, p.Gln39Arg (NM_001321185.1, NM_001374593.1, NM_001374594.1 and 4 more transcripts); short protein forms Q39R.
Identifiers: ClinVar variation 456003 (VCV000456003.9), dbSNP rs974988254, ClinGen allele CA294356817.